The following is an entry in ClinVar:

ClinVar aggregate classification (germline): Uncertain significance (1 of 4 stars; one submission).

Conditions:
PLXNA1-related disorder. Also called: PLXNA1-related condition.

gnomAD v4.1: 79 of 1,612,666 alleles (0.0049%); highest among the groups gnomAD compares: Middle Eastern, 0.016%; no homozygotes.

Submission:

PreventionGenetics, part of Exact Sciences
Classification: Uncertain significance for PLXNA1-related condition. Last evaluated: 2025-05-06. Review status: criteria provided, single submitter. Criteria: ACMG Guidelines, 2015. Collection method: clinical testing. Allele origin: germline.
Comment: The PLXNA1 c.3629C>T variant is predicted to result in the amino acid substitution p.Ala1210Val. To our knowledge, this variant has been reported in an individual with isolated hypogonadotropic hypogonadism (Men et al. 2021. PubMed ID: 34636164). This variant is reported in 0.0098% of alleles in individuals of South Asian descent in gnomAD. At this time, the clinical significance of this variant is uncertain due to the absence of conclusive functional and genetic evidence.

NM_032242.4(PLXNA1):c.3629C>T (p.Ala1210Val)

Gene: PLXNA1 (plexin A1; plus strand). Cytogenetic location: 3q21.3.
Variant type: single nucleotide variant.
Coding change: c.3629C>T on transcript NM_032242.4 (MANE Select); coding-DNA position 3629, C replaced by T.
Protein change: p.Ala1210Val; replaces alanine 1210 with valine.
Molecular consequence: missense variant.
Genome position (GRCh38, 1-based): chr3:127,017,861, C>T. VCF-style: chr3-127017861-C-T. GRCh37 (hg19) VCF-style: chr3-126736704-C-T.
Other names: short protein forms A1210V.
Identifiers: ClinVar variation 4981468 (VCV004981468.1).